The following is an entry in ClinVar:

NM_018109.4(MTPAP):c.398C>T (p.Thr133Ile)

Gene: MTPAP (mitochondrial poly(A) polymerase; minus strand). Cytogenetic location: 10p11.23.
Variant type: single nucleotide variant.
Coding change: c.398C>T on transcript NM_018109.4 (MANE Select); coding-DNA position 398, C replaced by T.
Protein change: p.Thr133Ile; replaces threonine 133 with isoleucine.
Molecular consequence: missense variant.
Genome position (GRCh38, 1-based): chr10:30,340,383, G>A on the plus strand (C>T on the coding strand, the complement: MTPAP is on the minus strand). VCF-style: chr10-30340383-G-A. GRCh37 (hg19) VCF-style: chr10-30629312-G-A.
Other names: short protein forms T133I.
Identifiers: ClinVar variation 2105860 (VCV002105860.4), dbSNP rs760144048, ClinGen allele CA5459200.

ClinVar aggregate classification (germline): Uncertain significance (1 of 4 stars; one submission).

Allele frequency attached by ClinVar (database versions not stated): ExAC 0.00001.
gnomAD v4.1: 1 of 1,614,164 alleles (0.000062%); highest among the groups gnomAD compares: South Asian, 0.0011%; no homozygotes.

Submission:

Labcorp Genetics (formerly Invitae), Labcorp
Classification: Uncertain significance. Last evaluated: 2022-10-24. Review status: criteria provided, single submitter. Criteria: Invitae Variant Classification Sherloc (09022015). Collection method: clinical testing. Allele origin: germline.
Comment: This variant is present in population databases (rs760144048, gnomAD 0.003%). This sequence change replaces threonine, which is neutral and polar, with isoleucine, which is neutral and non-polar, at codon 133 of the MTPAP protein (p.Thr133Ile). This variant has not been reported in the literature in individuals affected with MTPAP-related conditions. In summary, the available evidence is currently insufficient to determine the role of this variant in disease. Therefore, it has been classified as a Variant of Uncertain Significance. Advanced modeling of protein sequence and biophysical properties (such as structural, functional, and spatial information, amino acid conservation, physicochemical variation, residue mobility, and thermodynamic stability) performed at Invitae indicates that this missense variant is not expected to disrupt MTPAP protein function.